The following is an entry in ClinVar:

ClinVar aggregate classification (germline): Conflicting classifications of pathogenicity. Review status: criteria provided, conflicting classifications (1 of 4 stars). 2 submissions from 2 submitters: Uncertain significance (1); Likely benign (1). Last evaluated 2025-03-26.

Conditions:
Hereditary cancer-predisposing syndrome. Also called: Neoplastic Syndromes, Hereditary; Tumor predisposition; Hereditary Cancer Syndrome; Hereditary neoplastic syndrome. Identifiers: Orphanet 140162, MedGen C0027672, MeSH D009386, MONDO:0015356.
Hereditary nonpolyposis colorectal neoplasms. Identifiers: MedGen C0009405, MeSH D003123.

Allele frequency attached by ClinVar (database versions not stated): gnomAD exomes below 0.00001; ExAC 0.00001.
gnomAD v4.1: 1 of 1,613,776 alleles (0.000062%); highest among the groups gnomAD compares: East Asian, 0.0022%; no homozygotes.

Submissions (2):

Labcorp Genetics (formerly Invitae), Labcorp
Classification: Likely benign for Hereditary nonpolyposis colorectal neoplasms. Last evaluated: 2025-03-26. Review status: criteria provided, single submitter. Criteria: Invitae Variant Classification Sherloc (09022015). Collection method: clinical testing. Allele origin: germline.

Ambry Genetics
Classification: Uncertain significance for Hereditary cancer-predisposing syndrome. Last evaluated: 2019-09-30. Review status: criteria provided, single submitter. Criteria: Ambry Variant Classification Scheme 2023. Collection method: clinical testing. Allele origin: germline.
Comment: The p.V828A variant (also known as c.2483T>C), located in coding exon 4 of the MSH6 gene, results from a T to C substitution at nucleotide position 2483. The valine at codon 828 is replaced by alanine, an amino acid with similar properties. This amino acid position is poorly conserved in available vertebrate species. In addition, the in silico prediction for this alteration is inconclusive. Since supporting evidence is limited at this time, the clinical significance of this alteration remains unclear.

NM_000179.3(MSH6):c.2483T>C (p.Val828Ala)

Gene: MSH6 (mutS homolog 6; plus strand). Cytogenetic location: 2p16.3.
Variant type: single nucleotide variant.
Coding change: c.2483T>C on transcript NM_000179.3 (MANE Select); coding-DNA position 2483, T replaced by C.
Protein change: p.Val828Ala; replaces valine 828 with alanine.
Molecular consequence: missense variant.
Genome position (GRCh38, 1-based): chr2:47,800,466, T>C. VCF-style: chr2-47800466-T-C. GRCh37 (hg19) VCF-style: chr2-48027605-T-C.
Other names: c.2093T>C, p.Val698Ala (NM_001281492.2); c.1577T>C, p.Val526Ala (NM_001281493.2, NM_001281494.2); short protein forms V828A, V526A, V698A.
Identifiers: ClinVar variation 821364 (VCV000821364.6), dbSNP rs754675891, ClinGen allele CA069113.